The following is an entry in ClinVar:

NM_013254.4(TBK1):c.1832_1833insGCCGGGCGCGGTGGCTCACGCCTGTAATCCCAGCACTTTGGGAGGCCGAGGCGGGTGGATCATGAGGTCAGNNNNNNNNNNAAAAAAAAAAAAAAAAAAAAAAAAAGTATGAGGC (p.Ala611_Phe612insProGlyAlaValAlaHisAlaCysAsnProSerThrLeuGlyGlyArgGlyGlyTrpIleMetArgSerXaaXaaXaaXaaLysLysLysLysLysLysLysLysValTer)

Gene: TBK1 (TANK binding kinase 1; plus strand). Cytogenetic location: 12q14.2.
Variant type: Microsatellite.
Coding change: c.1832_1833insGCCGGGCGCGGTGGCTCACGCCTGTAATCCCAGCACTTTGGGAGGCCGAGGCGGGTGGATCATGAGGTCAGNNNNNNNNNNAAAAAAAAAAAAAAAAAAAAAAAAAGTATGAGGC on transcript NM_013254.4 (MANE Select); coding-DNA positions 1832 to 1833, GCCGGGCGCGGTGGCTCACGCCTGTAATCCCAGCACTTTGGGAGGCCGAGGCGGGTGGATCATGAGGTCAGNNNNNNNNNNAAAAAAAAAAAAAAAAAAAAAAAAAGTATGAGGC inserted.
Protein change: p.Ala611_Phe612insProGlyAlaValAlaHisAlaCysAsnProSerThrLeuGlyGlyArgGlyGlyTrpIleMetArgSerXaaXaaXaaXaaLysLysLysLysLysLysLysLysValTer.
Molecular consequence: nonsense.
Genome position: GRCh38: chr12:64,497,007-64,497,020. GRCh37 (hg19), VCF-style position (the base before the change): chr12:64,890,786.
Identifiers: ClinVar variation 3665195 (VCV003665195.2).

ClinVar aggregate classification (germline): Pathogenic (1 of 4 stars; one submission).

Conditions:
Frontotemporal dementia and/or amyotrophic lateral sclerosis 4. Also called: FTDALS4. Identifiers: Orphanet 275872, MedGen C4225325, MONDO:0014641, OMIM 616439.

Submission:

Labcorp Genetics (formerly Invitae), Labcorp
Classification: Pathogenic for Frontotemporal dementia and/or amyotrophic lateral sclerosis 4. Last evaluated: 2025-06-08. Review status: criteria provided, single submitter. Criteria: Invitae Variant Classification Sherloc (09022015). Collection method: clinical testing. Allele origin: germline.
Comment: This sequence change inserts a large fragment of DNA, likely a transposable element, in exon 17 of the TBK1 gene (c.1832_1833ins?), causing a frameshift at codon 612 (p.Phe612fs*). The exact size and sequence of the insertion cannot be determined by the current assay. However, the insertion is expected to result in an absent or disrupted protein product. This variant is not present in population databases (gnomAD no frequency). This variant has not been reported in the literature in individuals affected with TBK1-related conditions. Retrotransposon insertions including LINE1 (L1), Alu, and SVA (SINE-VNTR-Alu) have been reported to be disease-causing through disruption of either a coding region or splice site (PMID: 19763152, 20307669, 22406018) and loss-of-function variants in TBK1 are known to be pathogenic (PMID: 25803835, 26476236, 26581300). For these reasons, this variant has been classified as Pathogenic.

Literature cited by the submitters: PubMed 19763152; PubMed 20307669; PubMed 22406018; PubMed 25803835; PubMed 26476236; PubMed 26581300.